The following is an entry in ClinVar:

NM_001916.5(CYC1):c.772+2dup

Gene: CYC1 (cytochrome c1; plus strand). Cytogenetic location: 8q24.3.
Variant type: Duplication.
Coding change: c.772+2dup on transcript NM_001916.5 (MANE Select); the canonical splice donor site of the intron after coding-DNA position 772, one base duplicated (T; older notation c.772+2dupT).
Molecular consequence: splice donor variant.
Genome position (GRCh38, 1-based): chr8:144,096,746, T duplicated. VCF-style (leftmost placement, unchanged base first): chr8-144096745-G-GT. GRCh37 (hg19) VCF-style: chr8-145151648-G-GT.
Identifiers: ClinVar variation 1723082 (VCV001723082.2), dbSNP rs1564311158, ClinGen allele CA918390970.

ClinVar aggregate classification (germline): Uncertain significance (1 of 4 stars; one submission).

Allele frequency attached by ClinVar (database versions not stated): gnomAD exomes below 0.00001.

Submission:

GeneDx
Classification: Uncertain significance. Last evaluated: 2022-05-04. Review status: criteria provided, single submitter. Criteria: GeneDx Variant Classification Process June 2021. Collection method: clinical testing. Allele origin: germline. Affected: yes.
Comment: Not observed at significant frequency in large population cohorts (gnomAD); Has not been previously published as pathogenic or benign to our knowledge; In-silico analysis is inconclusive as to whether the variant alters gene splicing. In the absence of RNA/functional studies, the actual effect of this sequence change is unknown.